The following is an entry in ClinVar:

ClinVar aggregate classification (germline): Uncertain significance (1 of 4 stars; one submission).

Allele frequency attached by ClinVar (database versions not stated): gnomAD 0.00001; gnomAD exomes 0.00001; ExAC 0.00004; TOPMed 0.00004.
gnomAD v4.1: 21 of 1,541,730 alleles (0.0014%); highest among the groups gnomAD compares: East Asian, 0.045%; no homozygotes.

Submission:

Labcorp Genetics (formerly Invitae), Labcorp
Classification: Uncertain significance. Last evaluated: 2025-09-02. Review status: criteria provided, single submitter. Criteria: Invitae Variant Classification Sherloc (09022015). Collection method: clinical testing. Allele origin: germline.
Comment: This sequence change affects codon 59 of the SPPL2A mRNA. It is a 'silent' change, meaning that it does not change the encoded amino acid sequence of the SPPL2A protein. It affects a nucleotide within the consensus splice site. This variant is present in population databases (rs777108590, gnomAD 0.04%). This variant has not been reported in the literature in individuals affected with SPPL2A-related conditions. ClinVar contains an entry for this variant (Variation ID: 2414866). Algorithms developed to predict the effect of sequence changes on RNA splicing suggest that this variant is not likely to affect RNA splicing. In summary, the available evidence is currently insufficient to determine the role of this variant in disease. Therefore, it has been classified as a Variant of Uncertain Significance.

NM_032802.4(SPPL2A):c.177A>G (p.Ala59=)

Gene: SPPL2A (signal peptide peptidase like 2A; minus strand). Cytogenetic location: 15q21.2.
Variant type: single nucleotide variant.
Coding change: c.177A>G on transcript NM_032802.4 (MANE Select); coding-DNA position 177, A replaced by G.
Protein change: p.Ala59=; no amino-acid change (alanine 59 retained).
Molecular consequence: synonymous variant.
Genome position (GRCh38, 1-based): chr15:50,749,636, T>C on the plus strand (A>G on the coding strand, the complement: SPPL2A is on the minus strand). VCF-style: chr15-50749636-T-C. GRCh37 (hg19) VCF-style: chr15-51041833-T-C.
Identifiers: ClinVar variation 2414866 (VCV002414866.5), dbSNP rs777108590, ClinGen allele CA7558562.
Genomic context (GRCh38, chr15:50,749,636, plus strand): 5'-GTGCCCAGCCTCCTTCTTCACTATTTTTATGTTTATGAATAGTAACTGTGATTTACTTAC[T>C]GCATTTTCTAGGGTACTTGGAAGAGCTGTCCAATAAGGGTTATAAAGCATGCAGTAGTCC-3'
Protein context (NP_116191.2, residues 49-69): WTALPSTLEN[Ala59=]TSISLMNLTS